The following is an entry in ClinVar:

NM_006361.6(HOXB13):c.763C>T (p.Leu255Phe)

Gene: HOXB13 (homeobox B13; minus strand). Cytogenetic location: 17q21.32.
Variant type: single nucleotide variant.
Coding change: c.763C>T on transcript NM_006361.6 (MANE Select); coding-DNA position 763, C replaced by T.
Protein change: p.Leu255Phe; replaces leucine 255 with phenylalanine.
Molecular consequence: missense variant.
Genome position (GRCh38, 1-based): chr17:48,726,882, G>A on the plus strand (C>T on the coding strand, the complement: HOXB13 is on the minus strand). VCF-style: chr17-48726882-G-A. GRCh37 (hg19) VCF-style: chr17-46804244-G-A.
Other names: short protein forms L255F.
Identifiers: ClinVar variation 827166 (VCV000827166.12), dbSNP rs1371765250, ClinGen allele CA400105958.

ClinVar aggregate classification (germline): Uncertain significance. Review status: criteria provided, multiple submitters, no conflicts (2 of 4 stars). 2 submissions from 2 submitters: Uncertain significance (2). Last evaluated 2024-07-01.

Conditions:
Hereditary cancer-predisposing syndrome. Also called: Neoplastic Syndromes, Hereditary; Tumor predisposition; Hereditary neoplastic syndrome; Hereditary Cancer Syndrome. Identifiers: Orphanet 140162, MedGen C0027672, MeSH D009386, MONDO:0015356.

Allele frequency attached by ClinVar (database versions not stated): gnomAD exomes below 0.00001; TOPMed below 0.00001; gnomAD 0.00001.

Submissions (2):

Labcorp Genetics (formerly Invitae), Labcorp
Classification: Uncertain significance. Last evaluated: 2024-07-01. Review status: criteria provided, single submitter. Criteria: Invitae Variant Classification Sherloc (09022015). Collection method: clinical testing. Allele origin: germline.
Comment: This sequence change replaces leucine, which is neutral and non-polar, with phenylalanine, which is neutral and non-polar, at codon 255 of the HOXB13 protein (p.Leu255Phe). This variant is present in population databases (no rsID available, gnomAD 0.0009%). This variant has not been reported in the literature in individuals affected with HOXB13-related conditions. ClinVar contains an entry for this variant (Variation ID: 827166). Advanced modeling of protein sequence and biophysical properties (such as structural, functional, and spatial information, amino acid conservation, physicochemical variation, residue mobility, and thermodynamic stability) performed at Invitae indicates that this missense variant is expected to disrupt HOXB13 protein function with a positive predictive value of 80%. In summary, the available evidence is currently insufficient to determine the role of this variant in disease. Therefore, it has been classified as a Variant of Uncertain Significance.

Ambry Genetics
Classification: Uncertain significance for Hereditary cancer-predisposing syndrome. Last evaluated: 2018-10-29. Review status: criteria provided, single submitter. Criteria: Ambry Variant Classification Scheme 2023. Collection method: clinical testing. Allele origin: germline.
Comment: The p.L255F variant (also known as c.763C>T), located in coding exon 2 of the HOXB13 gene, results from a C to T substitution at nucleotide position 763. The leucine at codon 255 is replaced by phenylalanine, an amino acid with highly similar properties. This amino acid position is highly conserved in available vertebrate species. In addition, this alteration is predicted to be deleterious by in silico analysis. Since supporting evidence is limited at this time, the clinical significance of this alteration remains unclear.